The following is an entry in ClinVar:

NM_000135.4(FANCA):c.399C>T (p.His133=)

Gene: FANCA (FA complementation group A; minus strand). Cytogenetic location: 16q24.3.
Variant type: single nucleotide variant.
Coding change: c.399C>T on transcript NM_000135.4 (MANE Select); coding-DNA position 399, C replaced by T.
Protein change: p.His133=; no amino-acid change (histidine 133 retained).
Molecular consequence: synonymous variant.
Genome position (GRCh38, 1-based): chr16:89,810,956, G>A on the plus strand (C>T on the coding strand, the complement: FANCA is on the minus strand). VCF-style: chr16-89810956-G-A. GRCh37 (hg19) VCF-style: chr16-89877364-G-A.
Other names: c.399C>T, p.His133= (NM_001018112.3, NM_001286167.3, NM_001351830.2); c.399C>T (LRG_495t1, NM_000135.3).
Identifiers: ClinVar variation 456126 (VCV000456126.19), dbSNP rs56190097, ClinGen allele CA8253036.
Genomic context (GRCh38, chr16:89,810,956, plus strand): 5'-GGGCAGGTTTCCTCATCTTTGCTGGTGTCTTACTCTCTGCTCCACAGTCAGCAGCACAGG[G>A]TGACTGGTCTCCGCTGGAGCCGTGCAGATCTGTCCCACGCTAGAGGCAACCATCCCGGCT-3'
Protein context (NP_000126.2, residues 123-143): QICTAPAETS[His133=]PVLLTVEQRK

ClinVar aggregate classification (germline): Benign/Likely benign. Review status: criteria provided, multiple submitters, no conflicts (2 of 4 stars). 8 submissions from 8 submitters: Benign (3); Likely benign (4). 1 of the submissions does not count toward it. Last evaluated 2026-01-05.

Conditions:
FANCA-related disorder. Also called: FANCA-related condition.
Inborn genetic diseases. Identifiers: MedGen C0950123, MeSH D030342.
Fanconi anemia (FA). Also called: Fanconi's anemia. Identifiers: Orphanet 84, MedGen C0015625, MeSH D005199, MONDO:0019391.
Fanconi anemia complementation group A (FANCA). Also called: Fanconi anemia, group A; FANCA-Related Fanconi Anemia. Identifiers: Orphanet 84, MedGen C3469521, MONDO:0009215, OMIM 227650.

Allele frequency attached by ClinVar (database versions not stated): gnomAD exomes 0.00004 and 0.00008; ExAC 0.00009; gnomAD 0.00025; TOPMed 0.00038; ESP Exome Variant Server 0.00046; 1000 Genomes Project 30x 0.00047; 1000 Genomes Project 0.00060.
gnomAD v4.1: 113 of 1,614,122 alleles (0.007%); highest among the groups gnomAD compares: African/African-American, 0.11%; no homozygotes.

Submissions (8):

Labcorp Genetics (formerly Invitae), Labcorp
Classification: Benign for Fanconi anemia. Last evaluated: 2026-01-05. Review status: criteria provided, single submitter. Criteria: Invitae Variant Classification Sherloc (09022015). Collection method: clinical testing. Allele origin: germline.

Ambry Genetics
Classification: Likely benign for Inborn genetic diseases. Last evaluated: 2024-10-02. Review status: criteria provided, single submitter. Criteria: Ambry Variant Classification Scheme 2023. Collection method: clinical testing. Allele origin: germline.

Blueprint Genetics
Classification: Likely benign. Last evaluated: 2024-06-26. Review status: criteria provided, single submitter. Criteria: ACMG Guidelines, 2015. Collection method: clinical testing. Allele origin: germline.

KCCC/NGS Laboratory, Kuwait Cancer Control Center
Classification: Benign for Fanconi anemia complementation group A. Last evaluated: 2023-07-07. Review status: criteria provided, single submitter. Criteria: ACMG Guidelines, 2015. Collection method: clinical testing. Allele origin: germline. Affected: yes.

Quest Diagnostics Nichols Institute San Juan Capistrano
Classification: Benign. Last evaluated: 2022-04-13. Review status: criteria provided, single submitter. Criteria: Quest Diagnostics criteria. Collection method: clinical testing. Allele origin: unknown.

Fulgent Genetics
Classification: Likely benign for Fanconi anemia complementation group A. Last evaluated: 2022-02-12. Review status: criteria provided, single submitter. Criteria: ACMG Guidelines, 2015. Collection method: clinical testing. Allele origin: unknown.

Sema4
Classification: Likely benign for Fanconi anemia. Last evaluated: 2021-01-25. Review status: criteria provided, single submitter. Criteria: Sema4 Curation Guidelines. Collection method: curation. Allele origin: germline.

PreventionGenetics, part of Exact Sciences
Classification: Likely benign for FANCA-related condition. Last evaluated: 2019-07-31. Review status: no assertion criteria provided. Collection method: clinical testing. Allele origin: germline. Not counted in ClinVar's aggregate classification.
Comment: This variant is classified as likely benign based on ACMG/AMP sequence variant interpretation guidelines (Richards et al. 2015 PMID: 25741868, with internal and published modifications).